The following is an entry in ClinVar:

ClinVar aggregate classification (germline): Likely benign (0 of 4 stars; one submission).

Conditions:
DNAH17-related disorder. Also called: DNAH17-related condition.

Allele frequency attached by ClinVar (database versions not stated): gnomAD 0.00001; TOPMed 0.00001; ESP Exome Variant Server 0.00008.
gnomAD v4.1: 21 of 1,579,610 alleles (0.0013%); highest among the groups gnomAD compares: Non-Finnish European, 0.0016%; no homozygotes.

Submission:

PreventionGenetics, part of Exact Sciences
Classification: Likely benign for DNAH17-related condition. Last evaluated: 2019-07-12. Review status: no assertion criteria provided. Collection method: clinical testing. Allele origin: germline.
Comment: This variant is classified as likely benign based on ACMG/AMP sequence variant interpretation guidelines (Richards et al. 2015 PMID: 25741868, with internal and published modifications).

NM_173628.4(DNAH17):c.11238C>T (p.Asn3746=)

Gene: DNAH17 (dynein axonemal heavy chain 17; minus strand). Cytogenetic location: 17q25.3.
Variant type: single nucleotide variant.
Coding change: c.11238C>T on transcript NM_173628.4 (MANE Select); coding-DNA position 11238, C replaced by T.
Protein change: p.Asn3746=; no amino-acid change (asparagine 3746 retained).
Molecular consequence: synonymous variant.
Genome position (GRCh38, 1-based): chr17:78,445,654, G>A on the plus strand (C>T on the coding strand, the complement: DNAH17 is on the minus strand). VCF-style: chr17-78445654-G-A. GRCh37 (hg19) VCF-style: chr17-76441736-G-A.
Identifiers: ClinVar variation 3049942 (VCV003049942.2), dbSNP rs375075297, ClinGen allele CA294384590.